The following is an entry in ClinVar:

NM_033310.3(KCNK4):c.209G>C (p.Gly70Ala)

Genes: KCNK4 (potassium two pore domain channel subfamily K member 4; plus strand), KCNK4-CATSPERZ (KCNK4-CATSPERZ readthrough (NMD candidate); plus strand). Cytogenetic location: 11q13.1.
Variant type: single nucleotide variant.
Coding change: c.209G>C on transcript NM_033310.3 (MANE Select); coding-DNA position 209, G replaced by C.
Protein change: p.Gly70Ala; replaces glycine 70 with alanine.
Molecular consequence: missense variant. On other transcripts: non-coding transcript variant (3).
Genome position (GRCh38, 1-based): chr11:64,296,897, G>C. VCF-style: chr11-64296897-G-C. GRCh37 (hg19) VCF-style: chr11-64064369-G-C.
Other names: c.209G>C, p.Gly70Ala (NM_001317090.2, NM_033311.1); short protein forms G70A.
Identifiers: ClinVar variation 2797665 (VCV002797665.3), dbSNP rs2495686187, ClinGen allele CA381161704.

ClinVar aggregate classification (germline): Uncertain significance (1 of 4 stars; one submission).

Submission:

Labcorp Genetics (formerly Invitae), Labcorp
Classification: Uncertain significance. Last evaluated: 2023-11-07. Review status: criteria provided, single submitter. Criteria: Invitae Variant Classification Sherloc (09022015). Collection method: clinical testing. Allele origin: germline.
Comment: This sequence change replaces glycine, which is neutral and non-polar, with alanine, which is neutral and non-polar, at codon 70 of the KCNK4 protein (p.Gly70Ala). This variant is not present in population databases (gnomAD no frequency). This variant has not been reported in the literature in individuals affected with KCNK4-related conditions. An algorithm developed to predict the effect of missense changes on protein structure and function (PolyPhen-2) suggests that this variant is likely to be disruptive. In summary, the available evidence is currently insufficient to determine the role of this variant in disease. Therefore, it has been classified as a Variant of Uncertain Significance.